The following is an entry in ClinVar:

NM_000492.4(CFTR):c.3605A>G (p.Asp1202Gly)

Genes: CFTR (CF transmembrane conductance regulator; plus strand), CFTR-AS2 (CFTR antisense RNA 2; minus strand). Cytogenetic location: 7q31.2.
Variant type: single nucleotide variant.
Coding change: c.3605A>G on transcript NM_000492.4 (MANE Select); coding-DNA position 3605, A replaced by G.
Protein change: p.Asp1202Gly; replaces aspartic acid 1202 with glycine.
Molecular consequence: missense variant.
Genome position (GRCh38, 1-based): chr7:117,627,658, A>G. VCF-style: chr7-117627658-A-G. GRCh37 (hg19) VCF-style: chr7-117267712-A-G.
Other names: short protein forms D1202G.
Identifiers: ClinVar variation 1733146 (VCV001733146.3), dbSNP rs1792673994, ClinGen allele CA368997147.
Genomic context (GRCh38, chr7:117,627,658, plus strand): 5'-ACAAGAATGGCCAACTCTCGAAAGTTATGATTATTGAGAATTCACACGTGAAGAAAGATG[A>G]CATCTGGCCCTCAGGGGGCCAAATGACTGTCAAAGATCTCACAGCAAAATACACAGAAGG-3'
Protein context (NP_000483.3, residues 1192-1212): IIENSHVKKD[Asp1202Gly]IWPSGGQMTV

ClinVar aggregate classification (germline): Uncertain significance (1 of 4 stars; one submission).

Conditions:
Cystic fibrosis (CF). Also called: MUCOVISCIDOSIS. Identifiers: Orphanet 586, MedGen C0010674, MONDO:0009061, OMIM 219700. Disease mechanism: loss of function.

Allele frequency attached by ClinVar (database versions not stated): gnomAD 0.00001; gnomAD exomes below 0.00001.
gnomAD v4.1: 2 of 1,613,352 alleles (0.00012%); highest among the groups gnomAD compares: East Asian, 0.0022%; no homozygotes.

Submission:

Ambry Genetics
Classification: Uncertain significance for Cystic fibrosis. Last evaluated: 2024-05-29. Review status: criteria provided, single submitter. Criteria: Ambry Variant Classification Scheme 2023. Collection method: clinical testing. Allele origin: germline.
Comment: The p.D1202G variant (also known as c.3605A>G), located in coding exon 22 of the CFTR gene, results from an A to G substitution at nucleotide position 3605. The aspartic acid at codon 1202 is replaced by glycine, an amino acid with similar properties. This amino acid position is not well conserved in available vertebrate species. In addition, the in silico prediction for this alteration is inconclusive. Since supporting evidence is limited at this time, the clinical significance of this alteration remains unclear.